The following is an entry in ClinVar:

NM_000441.2(SLC26A4):c.1624C>A (p.Pro542Thr)

Gene: SLC26A4 (solute carrier family 26 member 4; plus strand). Cytogenetic location: 7q22.3.
Variant type: single nucleotide variant.
Coding change: c.1624C>A on transcript NM_000441.2 (MANE Select); coding-DNA position 1624, C replaced by A.
Protein change: p.Pro542Thr; replaces proline 542 with threonine.
Molecular consequence: missense variant.
Genome position (GRCh38, 1-based): chr7:107,700,092, C>A. VCF-style: chr7-107700092-C-A. GRCh37 (hg19) VCF-style: chr7-107340537-C-A.
Other names: short protein forms P542T.
Identifiers: ClinVar variation 1710558 (VCV001710558.6), dbSNP rs769038223, ClinGen allele CA4432900.

ClinVar aggregate classification (germline): Uncertain significance. Review status: criteria provided, multiple submitters, no conflicts (2 of 4 stars). 2 submissions from 2 submitters: Uncertain significance (2). Last evaluated 2025-12-02.

Conditions:
Inborn genetic diseases. Identifiers: MedGen C0950123, MeSH D030342.

Allele frequency attached by ClinVar (database versions not stated): ExAC 0.00001; gnomAD 0.00001; TOPMed 0.00004.
gnomAD v4.1: 6 of 1,549,968 alleles (0.00039%); highest among the groups gnomAD compares: African/African-American, 0.0041%; no homozygotes.

Submissions (2):

GeneDx
Classification: Uncertain significance. Last evaluated: 2025-12-02. Review status: criteria provided, single submitter. Criteria: GeneDx Variant Classification Process June 2021. Collection method: clinical testing. Allele origin: germline. Affected: yes.
Comment: Not observed at significant frequency in large population cohorts (gnomAD); In silico analysis supports that this missense variant has a deleterious effect on protein structure/function; Has not been previously published as pathogenic or benign to our knowledge

Ambry Genetics
Classification: Uncertain significance for Inborn genetic diseases. Last evaluated: 2021-10-12. Review status: criteria provided, single submitter. Criteria: Ambry Variant Classification Scheme 2023. Collection method: clinical testing. Allele origin: germline.